The following is an entry in ClinVar:

ClinVar aggregate classification (germline): Uncertain significance (1 of 4 stars; one submission).

Submission:

GeneDx
Classification: Uncertain significance. Last evaluated: 2024-09-19. Review status: criteria provided, single submitter. Criteria: GeneDx Variant Classification Process June 2021. Collection method: clinical testing. Allele origin: germline. Affected: yes.
Comment: Not observed at significant frequency in large population cohorts (gnomAD); Has not been previously published as pathogenic or benign to our knowledge; Initiation codon variant in a gene for which loss-of-function is not an established mechanism of disease

NM_003931.3(WASF1):c.2T>C (p.Met1Thr)

Gene: WASF1 (WASP family member 1; minus strand). Cytogenetic location: 6q21.
Variant type: single nucleotide variant.
Coding change: c.2T>C on transcript NM_003931.3 (MANE Select); coding-DNA position 2, T replaced by C.
Protein change: p.Met1Thr; changes the start codon (methionine 1).
Molecular consequence: missense variant, initiator codon variant.
Genome position (GRCh38, 1-based): chr6:110,127,600, A>G on the plus strand (T>C on the coding strand, the complement: WASF1 is on the minus strand). VCF-style: chr6-110127600-A-G. GRCh37 (hg19) VCF-style: chr6-110448803-A-G.
Other names: c.2T>C, p.Met1Thr (NM_001024934.2, NM_001024935.2, NM_001024936.2); short protein forms M1T.
Identifiers: ClinVar variation 3774197 (VCV003774197.1).